The following is an entry in ClinVar:

ClinVar aggregate classification (germline): Conflicting classifications of pathogenicity. Review status: criteria provided, conflicting classifications (1 of 4 stars). 7 submissions from 7 submitters: Uncertain significance (1); Likely benign (3). 3 of the submissions do not count toward it. Last evaluated 2025-11-17.

Conditions:
PXDN-related disorder. Also called: PXDN-related condition.
Anterior segment dysgenesis 7 (ASGD7). Also called: SCLEROCORNEA WITH OTHER OCULAR ANOMALIES; Anterior segment dysgenesis 7, with sclerocornea. Identifiers: Orphanet 289499, MedGen C3151617, MONDO:0010015, OMIM 269400.

Allele frequency attached by ClinVar (database versions not stated): ExAC 0.00010; 1000 Genomes Project 30x 0.00078; gnomAD exomes 0.00116 and 0.00236; TOPMed 0.00122; gnomAD 0.00133.
gnomAD v4.1: 3,328 of 1,496,966 alleles (0.22%); highest among the groups gnomAD compares: Non-Finnish European, 0.28%; 6 homozygotes.

Submissions (7):

Labcorp Genetics (formerly Invitae), Labcorp
Classification: Likely benign for Anterior segment dysgenesis 7. Last evaluated: 2025-11-17. Review status: criteria provided, single submitter. Criteria: Invitae Variant Classification Sherloc (09022015). Collection method: clinical testing. Allele origin: germline.

Blueprint Genetics
Classification: Likely benign. Last evaluated: 2024-11-18. Review status: criteria provided, single submitter. Criteria: ACMG Guidelines, 2015. Collection method: clinical testing. Allele origin: germline.

CeGaT Center for Human Genetics Tuebingen
Classification: Uncertain significance. Last evaluated: 2022-12-01. Review status: criteria provided, single submitter. Criteria: CeGaT Center For Human Genetics Tuebingen Variant Classification Criteria Version 2. Collection method: clinical testing. Allele origin: germline. Affected: yes. Observed: 1 variant allele.

GeneDx
Classification: Likely benign. Last evaluated: 2019-09-11. Review status: criteria provided, single submitter. Criteria: GeneDx Variant Classification Process June 2021. Collection method: clinical testing. Allele origin: germline. Affected: yes.

PreventionGenetics, part of Exact Sciences
Classification: Likely benign for PXDN-related condition. Last evaluated: 2020-07-06. Review status: no assertion criteria provided. Collection method: clinical testing. Allele origin: germline. Not counted in ClinVar's aggregate classification.
Comment: This variant is classified as likely benign based on ACMG/AMP sequence variant interpretation guidelines (Richards et al. 2015 PMID: 25741868, with internal and published modifications).

Clinical Genetics DNA and cytogenetics Diagnostics Lab, Erasmus MC, Erasmus Medical Center
Classification: Likely benign. Review status: no assertion criteria provided. Collection method: clinical testing. Allele origin: germline. Affected: yes. Study: VKGL Data-share Consensus. Not counted in ClinVar's aggregate classification.

Clinical Genetics, Academic Medical Center
Classification: Likely benign. Review status: no assertion criteria provided. Collection method: clinical testing. Allele origin: germline. Affected: yes. Study: VKGL Data-share Consensus. Not counted in ClinVar's aggregate classification.

NM_012293.3(PXDN):c.19G>T (p.Gly7Cys)

Gene: PXDN (peroxidasin; minus strand). Cytogenetic location: 2p25.3.
Variant type: single nucleotide variant.
Coding change: c.19G>T on transcript NM_012293.3 (MANE Select); coding-DNA position 19, G replaced by T.
Protein change: p.Gly7Cys; replaces glycine 7 with cysteine.
Molecular consequence: missense variant.
Genome position (GRCh38, 1-based): chr2:1,744,437, C>A on the plus strand (G>T on the coding strand, the complement: PXDN is on the minus strand). VCF-style: chr2-1744437-C-A. GRCh37 (hg19) VCF-style: chr2-1748209-C-A.
Other names: short protein forms G7C.
Identifiers: ClinVar variation 707047 (VCV000707047.44), dbSNP rs775995985, ClinGen allele CA1513751.